The following is an entry in ClinVar:

ClinVar aggregate classification (germline): Uncertain significance. Review status: criteria provided, multiple submitters, no conflicts (2 of 4 stars). 4 submissions from 4 submitters: Uncertain significance (4). Last evaluated 2025-07-28.

Conditions:
Neuropathy, hereditary sensory and autonomic, type 1C. Also called: HSAN IC; HSN IC. Identifiers: Orphanet 36386, MedGen C3150896, MONDO:0013337, OMIM 613640.

Allele frequency attached by ClinVar (database versions not stated): gnomAD 0.00002; gnomAD exomes 0.00002 and 0.00003; ExAC 0.00003; TOPMed 0.00001.
gnomAD v4.1: 53 of 1,613,954 alleles (0.0033%); highest among the groups gnomAD compares: Non-Finnish European, 0.0042%; no homozygotes.

Submissions (4):

Labcorp Genetics (formerly Invitae), Labcorp
Classification: Uncertain significance for Neuropathy, hereditary sensory and autonomic, type 1C. Last evaluated: 2025-07-28. Review status: criteria provided, single submitter. Criteria: Invitae Variant Classification Sherloc (09022015). Collection method: clinical testing. Allele origin: germline.
Comment: This sequence change replaces arginine, which is basic and polar, with tryptophan, which is neutral and slightly polar, at codon 484 of the SPTLC2 protein (p.Arg484Trp). This variant is present in population databases (rs765520235, gnomAD 0.004%). This variant has not been reported in the literature in individuals affected with SPTLC2-related conditions. ClinVar contains an entry for this variant (Variation ID: 471491). Invitae Evidence Modeling of protein sequence and biophysical properties (such as structural, functional, and spatial information, amino acid conservation, physicochemical variation, residue mobility, and thermodynamic stability) indicates that this missense variant is expected to disrupt SPTLC2 protein function with a positive predictive value of 95%. In summary, the available evidence is currently insufficient to determine the role of this variant in disease. Therefore, it has been classified as a Variant of Uncertain Significance.

Mayo Clinic Laboratories, Mayo Clinic
Classification: Uncertain significance. Last evaluated: 2020-09-08. Review status: criteria provided, single submitter. Criteria: ACMG Guidelines, 2015. Collection method: clinical testing. Allele origin: germline. Observed: 1 variant allele.

ARUP Laboratories, Molecular Genetics and Genomics, ARUP Laboratories
Classification: Uncertain significance for Neuropathy, hereditary sensory and autonomic, type 1C. Last evaluated: 2019-05-08. Review status: criteria provided, single submitter. Criteria: ARUP Molecular Germline Variant Investigation Process. Collection method: clinical testing. Allele origin: germline.
Comment: The SPTLC2 c.1450C>T; p.Arg484Trp variant (rs765520235), to our knowledge, is not reported in the medical literature but is reported in ClinVar (Variation ID: 471491). This variant is found on only six chromosomes (6/282744 alleles) in the Genome Aggregation Database. The arginine at codon 484 is highly conserved, and computational analyses (SIFT, PolyPhen-2) predict that this variant is deleterious. However, due to limited information, the clinical significance of the p.Arg484Trp variant is uncertain at this time.

Illumina Laboratory Services, Illumina
Classification: Uncertain significance for Neuropathy, hereditary sensory and autonomic, type 1C. Last evaluated: 2018-01-13. Review status: criteria provided, single submitter. Criteria: ICSL Variant Classification Criteria 13 December 2019. Collection method: clinical testing. Allele origin: germline.

NM_004863.4(SPTLC2):c.1450C>T (p.Arg484Trp)

Gene: SPTLC2 (serine palmitoyltransferase long chain base subunit 2; minus strand). Cytogenetic location: 14q24.3.
Variant type: single nucleotide variant.
Coding change: c.1450C>T on transcript NM_004863.4 (MANE Select); coding-DNA position 1450, C replaced by T.
Protein change: p.Arg484Trp; replaces arginine 484 with tryptophan.
Molecular consequence: missense variant.
Genome position (GRCh38, 1-based): chr14:77,518,157, G>A on the plus strand (C>T on the coding strand, the complement: SPTLC2 is on the minus strand). VCF-style: chr14-77518157-G-A. GRCh37 (hg19) VCF-style: chr14-77984500-G-A.
Other names: short protein forms R484W.
Identifiers: ClinVar variation 471491 (VCV000471491.21), dbSNP rs765520235, ClinGen allele CA7289147.
Genomic context (GRCh38, chr14:77,518,157, plus strand): 5'-TAATTGGGGTGGCAGGAAATCCAACCACAACGACACCGATGTTCCGCTTCAGCATCTCCC[G>A]TCCAAAGGCGCTGCAAAGGGGAAAACAAGAACAGAAACCAGGAGGAGTGAAAAAGCACTC-3'
Protein context (NP_004854.1, residues 474-494): YMPAKIGAFG[Arg484Trp]EMLKRNIGVV